The following is an entry in ClinVar:

NM_203447.4(DOCK8):c.3304A>G (p.Ser1102Gly)

Gene: DOCK8 (dedicator of cytokinesis 8; plus strand). Cytogenetic location: 9p24.3.
Variant type: single nucleotide variant.
Coding change: c.3304A>G on transcript NM_203447.4 (MANE Select); coding-DNA position 3304, A replaced by G.
Protein change: p.Ser1102Gly; replaces serine 1102 with glycine.
Molecular consequence: missense variant.
Genome position (GRCh38, 1-based): chr9:404,987, A>G. VCF-style: chr9-404987-A-G. GRCh37 (hg19) VCF-style: chr9-404987-A-G.
Other names: c.3004A>G, p.Ser1002Gly (NM_001190458.2); c.3100A>G, p.Ser1034Gly (NM_001193536.2); short protein forms S1034G, S1102G, S1002G.
Identifiers: ClinVar variation 1355426 (VCV001355426.6), dbSNP rs959001195, ClinGen allele CA187764983.

ClinVar aggregate classification (germline): Uncertain significance (1 of 4 stars; one submission).

Conditions:
Combined immunodeficiency due to DOCK8 deficiency (HIES2). Also called: HYPER-IgE RECURRENT INFECTION SYNDROME 2, AUTOSOMAL RECESSIVE; HYPER-IgE SYNDROME 2, AUTOSOMAL RECESSIVE, WITH RECURRENT INFECTIONS; HIES autosomal recessive; DOCK8 Deficiency; Hyper-IgE recurrent infection syndrome, autosomal recessive. Identifiers: Orphanet 217390, MedGen C4722305, MONDO:0009478, OMIM 243700.

Allele frequency attached by ClinVar (database versions not stated): gnomAD exomes below 0.00001.
gnomAD v4.1: 2 of 1,614,060 alleles (0.00012%); highest among the groups gnomAD compares: East Asian, 0.0045%; no homozygotes.

Submission:

Labcorp Genetics (formerly Invitae), Labcorp
Classification: Uncertain significance for Combined immunodeficiency due to DOCK8 deficiency. Last evaluated: 2024-02-24. Review status: criteria provided, single submitter. Criteria: Invitae Variant Classification Sherloc (09022015). Collection method: clinical testing. Allele origin: germline.
Comment: This sequence change replaces serine, which is neutral and polar, with glycine, which is neutral and non-polar, at codon 1102 of the DOCK8 protein (p.Ser1102Gly). This variant is present in population databases (no rsID available, gnomAD 0.006%). This variant has not been reported in the literature in individuals affected with DOCK8-related conditions. ClinVar contains an entry for this variant (Variation ID: 1355426). Advanced modeling of protein sequence and biophysical properties (such as structural, functional, and spatial information, amino acid conservation, physicochemical variation, residue mobility, and thermodynamic stability) has been performed at Invitae for this missense variant, however the output from this modeling did not meet the statistical confidence thresholds required to predict the impact of this variant on DOCK8 protein function. In summary, the available evidence is currently insufficient to determine the role of this variant in disease. Therefore, it has been classified as a Variant of Uncertain Significance.